The following is an entry in ClinVar:

ClinVar aggregate classification (germline): Uncertain significance. Review status: criteria provided, multiple submitters, no conflicts (2 of 4 stars). 2 submissions from 2 submitters: Uncertain significance (2). Last evaluated 2026-08-03.

Conditions:
Zellweger spectrum disorders (ZS). Also called: Zellweger Spectrum Disorder; Zellweger Spectrum; Zellweger syndrome; Zellweger Spectrum Disorder (ZSD). Identifiers: Orphanet 912, MedGen C0043459, MONDO:0019609.
Inborn genetic diseases. Identifiers: MedGen C0950123, MeSH D030342.

Allele frequency attached by ClinVar (database versions not stated): gnomAD exomes 0.00001; ExAC 0.00006; 1000 Genomes Project 0.00020; gnomAD 0.00001; 1000 Genomes Project 30x 0.00016.

Submissions (2):

Ambry Genetics
Classification: Uncertain significance for Inborn genetic diseases. Last evaluated: 2026-08-03. Review status: criteria provided, single submitter. Criteria: Ambry Variant Classification Scheme 2023. Collection method: clinical testing. Allele origin: germline.
Comment: The c.2500C>A (p.P834T) alteration is located in exon 15 (coding exon 15) of the PEX1 gene. This alteration results from a C to A substitution at nucleotide position 2500, causing the proline (P) at amino acid position 834 to be replaced by a threonine (T). Based on data from gnomAD, the A allele has an overall frequency of 0.004% (10/251308) total alleles studied. The highest observed frequency was 0.033% (10/30616) of South Asian alleles. This amino acid position is highly conserved in available vertebrate species. This alteration is predicted to be deleterious by in silico analysis. Based on insufficient or conflicting evidence, the clinical significance of this alteration remains unclear.

Labcorp Genetics (formerly Invitae), Labcorp
Classification: Uncertain significance for Zellweger spectrum disorders. Last evaluated: 2021-09-01. Review status: criteria provided, single submitter. Criteria: Invitae Variant Classification Sherloc (09022015). Collection method: clinical testing. Allele origin: germline.
Comment: This sequence change replaces proline with threonine at codon 834 of the PEX1 protein (p.Pro834Thr). The proline residue is highly conserved and there is a small physicochemical difference between proline and threonine. This variant is present in population databases (rs551870922, ExAC 0.04%). This variant has not been reported in the literature in individuals affected with PEX1-related conditions. Advanced modeling of protein sequence and biophysical properties (such as structural, functional, and spatial information, amino acid conservation, physicochemical variation, residue mobility, and thermodynamic stability) performed at Invitae indicates that this missense variant is expected to disrupt PEX1 protein function. In summary, the available evidence is currently insufficient to determine the role of this variant in disease. Therefore, it has been classified as a Variant of Uncertain Significance.

NM_000466.3(PEX1):c.2500C>A (p.Pro834Thr)

Gene: PEX1 (peroxisomal biogenesis factor 1; minus strand). Cytogenetic location: 7q21.2.
Variant type: single nucleotide variant.
Coding change: c.2500C>A on transcript NM_000466.3 (MANE Select); coding-DNA position 2500, C replaced by A.
Protein change: p.Pro834Thr; replaces proline 834 with threonine.
Molecular consequence: missense variant.
Genome position (GRCh38, 1-based): chr7:92,501,590, G>T on the plus strand (C>A on the coding strand, the complement: PEX1 is on the minus strand). VCF-style: chr7-92501590-G-T. GRCh37 (hg19) VCF-style: chr7-92130904-G-T.
Other names: c.2329C>A, p.Pro777Thr (NM_001282677.2); c.1876C>A, p.Pro626Thr (NM_001282678.2); c.2500C>A (NM_000466.2); short protein forms P777T, P626T, P834T.
Identifiers: ClinVar variation 2140482 (VCV002140482.2), dbSNP rs551870922, ClinGen allele CA4341109.